The following is an entry in ClinVar:

NM_014423.4(AFF4):c.2383T>C (p.Ser795Pro)

Gene: AFF4 (ALF transcription elongation factor 4; minus strand). Cytogenetic location: 5q31.1.
Variant type: single nucleotide variant.
Coding change: c.2383T>C on transcript NM_014423.4 (MANE Select); coding-DNA position 2383, T replaced by C.
Protein change: p.Ser795Pro; replaces serine 795 with proline.
Molecular consequence: missense variant.
Genome position (GRCh38, 1-based): chr5:132,893,043, A>G on the plus strand (T>C on the coding strand, the complement: AFF4 is on the minus strand). VCF-style: chr5-132893043-A-G. GRCh37 (hg19) VCF-style: chr5-132228735-A-G.
Other names: short protein forms S795P.
Identifiers: ClinVar variation 4983591 (VCV004983591.1).

ClinVar aggregate classification (germline): Uncertain significance (1 of 4 stars; one submission).

Conditions:
AFF4-related disorder. Also called: AFF4-related condition.

gnomAD v4.1: 1 of 1,614,106 alleles (0.000062%); highest among the groups gnomAD compares: Non-Finnish European, 0.000085%; no homozygotes.

Submission:

PreventionGenetics, part of Exact Sciences
Classification: Uncertain significance for AFF4-related condition. Last evaluated: 2025-01-30. Review status: criteria provided, single submitter. Criteria: ACMG Guidelines, 2015. Collection method: clinical testing. Allele origin: germline.
Comment: The AFF4 c.2383T>C variant is predicted to result in the amino acid substitution p.Ser795Pro. To our knowledge, this variant has not been reported in the literature or in a large population database (gnomAD), indicating this variant is rare. At this time, the clinical significance of this variant is uncertain due to the absence of conclusive functional and genetic evidence.